The following is an entry in ClinVar:

ClinVar aggregate classification (germline): Pathogenic (1 of 4 stars; one submission).

Submission:

Labcorp Genetics (formerly Invitae), Labcorp
Classification: Pathogenic. Last evaluated: 2022-08-31. Review status: criteria provided, single submitter. Criteria: Invitae Variant Classification Sherloc (09022015). Collection method: clinical testing. Allele origin: germline.
Comment: This variant is not present in population databases (gnomAD no frequency). This sequence change creates a premature translational stop signal (p.Arg1777Cysfs*5) in the MYH14 gene. It is expected to result in an absent or disrupted protein product. Loss-of-function variants in MYH14 are known to be pathogenic (PMID: 15015131, 28221712). This variant has not been reported in the literature in individuals affected with MYH14-related conditions. For these reasons, this variant has been classified as Pathogenic.

Literature cited by the submitters: PubMed 15015131; PubMed 28221712.

NM_001145809.2(MYH14):c.5452_5458del (p.Arg1818fs)

Gene: MYH14 (myosin heavy chain 14; plus strand). Cytogenetic location: 19q13.33.
Variant type: Deletion.
Coding change: c.5452_5458del on transcript NM_001145809.2 (MANE Select); coding-DNA positions 5452 to 5458, 7 bases deleted (CGCAAGC; older notation c.5452_5458delCGCAAGC).
Protein change: p.Arg1818fs; shifts the reading frame from arginine 1818.
Molecular consequence: frameshift variant.
Genome position (GRCh38, 1-based): chr19:50,293,670-50,293,676, CGCAAGC deleted; deleting any 7 consecutive bases within chr19:50,293,669-50,293,676 gives the same sequence; the c. name uses the placement nearest the transcript's 3' end. VCF-style (leftmost placement, unchanged base first): chr19-50293668-ACCGCAAG-A. GRCh37 (hg19) VCF-style: chr19-50796925-ACCGCAAG-A.
Other names: c.5353_5359del, p.Arg1785fs (NM_001077186.2); c.5329_5335del, p.Arg1777fs (NM_024729.4); short protein forms R1818fs, R1777fs, R1785fs.
Identifiers: ClinVar variation 2135075 (VCV002135075.4), dbSNP rs2513757356, ClinGen allele CA2580097597.